The following is an entry in ClinVar:

ClinVar aggregate classification (germline): Conflicting classifications of pathogenicity. Review status: criteria provided, conflicting classifications (1 of 4 stars). 3 submissions from 3 submitters: Uncertain significance (2); Likely benign (1). Last evaluated 2023-11-28.

Conditions:
Inborn genetic diseases. Identifiers: MedGen C0950123, MeSH D030342.

Allele frequency attached by ClinVar (database versions not stated): gnomAD exomes 0.00004; gnomAD 0.00007; TOPMed 0.00007; ESP Exome Variant Server 0.00008.
gnomAD v4.1: 61 of 1,609,638 alleles (0.0038%); highest among the groups gnomAD compares: Admixed American, 0.015%; no homozygotes.

Submissions (3):

Ambry Genetics
Classification: Likely benign for Inborn genetic diseases. Last evaluated: 2023-11-28. Review status: criteria provided, single submitter. Criteria: Ambry Variant Classification Scheme 2023. Collection method: clinical testing. Allele origin: germline.

Labcorp Genetics (formerly Invitae), Labcorp
Classification: Uncertain significance. Last evaluated: 2022-10-17. Review status: criteria provided, single submitter. Criteria: Invitae Variant Classification Sherloc (09022015). Collection method: clinical testing. Allele origin: germline.
Comment: This sequence change replaces isoleucine, which is neutral and non-polar, with valine, which is neutral and non-polar, at codon 638 of the HPS1 protein (p.Ile638Val). This variant is present in population databases (rs61873899, gnomAD 0.009%). This variant has not been reported in the literature in individuals affected with HPS1-related conditions. Advanced modeling of protein sequence and biophysical properties (such as structural, functional, and spatial information, amino acid conservation, physicochemical variation, residue mobility, and thermodynamic stability) performed at Invitae indicates that this missense variant is not expected to disrupt HPS1 protein function. In summary, the available evidence is currently insufficient to determine the role of this variant in disease. Therefore, it has been classified as a Variant of Uncertain Significance.

Blueprint Genetics
Classification: Uncertain significance. Last evaluated: 2019-10-22. Review status: criteria provided, single submitter. Criteria: ACMG Guidelines, 2015. Collection method: clinical testing. Allele origin: germline.

NM_000195.5(HPS1):c.1912A>G (p.Ile638Val)

Gene: HPS1 (HPS1 biogenesis of lysosomal organelles complex 3 subunit 1; minus strand). Cytogenetic location: 10q24.2.
Variant type: single nucleotide variant.
Coding change: c.1912A>G on transcript NM_000195.5 (MANE Select); coding-DNA position 1912, A replaced by G.
Protein change: p.Ile638Val; replaces isoleucine 638 with valine.
Molecular consequence: missense variant.
Genome position (GRCh38, 1-based): chr10:98,418,203, T>C on the plus strand (A>G on the coding strand, the complement: HPS1 is on the minus strand). VCF-style: chr10-98418203-T-C. GRCh37 (hg19) VCF-style: chr10-100177960-T-C.
Other names: c.940A>G, p.Ile314Val (NM_001311345.2, NM_001322487.2, NM_001322489.2); c.1912A>G, p.Ile638Val (NM_001322476.2, NM_001322477.2); c.1813A>G, p.Ile605Val (NM_001322478.2, NM_001322479.2); c.1651A>G, p.Ile551Val (NM_001322480.2, NM_001322481.2); c.1552A>G, p.Ile518Val (NM_001322482.2); c.1543A>G, p.Ile515Val (NM_001322483.2, NM_001322484.2); c.1444A>G, p.Ile482Val (NM_001322485.2); c.1912A>G (NM_000195.3); short protein forms I482V, I605V, I638V, I551V, I314V, I518V, I515V.
Identifiers: ClinVar variation 2155465 (VCV002155465.3), dbSNP rs61873899, ClinGen allele CA212758245.
Genomic context (GRCh38, chr10:98,418,203, plus strand): 5'-TCTGTCCCCAGTGGCTCCCAACGCAGCGTCACCTGTAGTAGTCTCCTCCCAGCATGCCGA[T>C]AGGCACTGAGTCGTCGGAGAGGACGGGCACCTCGATCATCTGGAGTTTGTACCCCTGAGG-3'
Protein context (NP_000186.2, residues 628-648): VPVLSDDSVP[Ile638Val]GMLGGDYYRK